The following is an entry in ClinVar:

NM_022836.4(DCLRE1B):c.781A>G (p.Ile261Val)

Gene: DCLRE1B (DNA cross-link repair 1B; plus strand). Cytogenetic location: 1p13.2.
Variant type: single nucleotide variant.
Coding change: c.781A>G on transcript NM_022836.4 (MANE Select); coding-DNA position 781, A replaced by G.
Protein change: p.Ile261Val; replaces isoleucine 261 with valine.
Molecular consequence: missense variant.
Genome position (GRCh38, 1-based): chr1:113,911,373, A>G. VCF-style: chr1-113911373-A-G. GRCh37 (hg19) VCF-style: chr1-114453995-A-G.
Other names: c.403A>G, p.Ile135Val (NM_001319946.2, NM_001319947.2, NM_001363691.2); c.781A>G, p.Ile261Val (NM_001363690.2); short protein forms I135V, I261V.
Identifiers: ClinVar variation 948706 (VCV000948706.9), dbSNP rs1478635543, ClinGen allele CA341702585.

ClinVar aggregate classification (germline): Uncertain significance (1 of 4 stars; one submission).

Conditions:
Hoyeraal-Hreidarsson syndrome (HHS). Also called: CEREBELLAR HYPOPLASIA WITH PANCYTOPENIA. Identifiers: Orphanet 3322, MedGen C1846142, MONDO:0018045.
Autosomal recessive dyskeratosis congenita. Identifiers: MedGen C3502105.

Allele frequency attached by ClinVar (database versions not stated): gnomAD exomes below 0.00001; gnomAD 0.00001; TOPMed 0.00002.

Submission:

Labcorp Genetics (formerly Invitae), Labcorp
Classification: Uncertain significance for Hoyeraal-Hreidarsson syndrome; Autosomal recessive dyskeratosis congenita. Last evaluated: 2022-02-25. Review status: criteria provided, single submitter. Criteria: Invitae Variant Classification Sherloc (09022015). Collection method: clinical testing. Allele origin: germline.
Comment: ClinVar contains an entry for this variant (Variation ID: 948706). This variant has not been reported in the literature in individuals affected with DCLRE1B-related conditions. The frequency data for this variant in the population databases is considered unreliable, as metrics indicate poor data quality at this position in the gnomAD database. This sequence change replaces isoleucine, which is neutral and non-polar, with valine, which is neutral and non-polar, at codon 261 of the DCLRE1B protein (p.Ile261Val). Algorithms developed to predict the effect of missense changes on protein structure and function output the following: SIFT: "Tolerated"; PolyPhen-2: "Benign"; Align-GVGD: "Class C0". The valine amino acid residue is found in multiple mammalian species, which suggests that this missense change does not adversely affect protein function. In summary, the available evidence is currently insufficient to determine the role of this variant in disease. Therefore, it has been classified as a Variant of Uncertain Significance.